The following is an entry in ClinVar:

ClinVar aggregate classification (germline): Uncertain significance (1 of 4 stars; one submission).

Conditions:
Tuberous sclerosis 2 (TSC2). Identifiers: Orphanet 805, MedGen C1860707, MONDO:0013199, OMIM 613254.

Submission:

Labcorp Genetics (formerly Invitae), Labcorp
Classification: Uncertain significance for Tuberous sclerosis 2. Last evaluated: 2022-01-12. Review status: criteria provided, single submitter. Criteria: Invitae Variant Classification Sherloc (09022015). Collection method: clinical testing. Allele origin: germline.
Comment: This variant is not present in population databases (gnomAD no frequency). In summary, the available evidence is currently insufficient to determine the role of this variant in disease. Therefore, it has been classified as a Variant of Uncertain Significance. Advanced modeling of protein sequence and biophysical properties (such as structural, functional, and spatial information, amino acid conservation, physicochemical variation, residue mobility, and thermodynamic stability) performed at Invitae indicates that this missense variant is not expected to disrupt TSC2 protein function. This variant has not been reported in the literature in individuals affected with TSC2-related conditions. This sequence change replaces glycine, which is neutral and non-polar, with valine, which is neutral and non-polar, at codon 1368 of the TSC2 protein (p.Gly1368Val).

NM_000548.5(TSC2):c.4103G>T (p.Gly1368Val)

Gene: TSC2 (TSC complex subunit 2; plus strand). Cytogenetic location: 16p13.3.
Variant type: single nucleotide variant.
Coding change: c.4103G>T on transcript NM_000548.5 (MANE Select); coding-DNA position 4103, G replaced by T.
Protein change: p.Gly1368Val; replaces glycine 1368 with valine.
Molecular consequence: missense variant.
Genome position (GRCh38, 1-based): chr16:2,084,325, G>T. VCF-style: chr16-2084325-G-T. GRCh37 (hg19) VCF-style: chr16-2134326-G-T.
Other names: c.4034G>T, p.Gly1345Val (NM_001114382.3); c.3794G>T, p.Gly1265Val (NM_001318827.2); c.3758G>T, p.Gly1253Val (NM_001318829.2); c.3371G>T, p.Gly1124Val (NM_001318831.2); c.3935G>T, p.Gly1312Val (NM_001318832.2); c.3905G>T, p.Gly1302Val (NM_001363528.2); c.3971G>T, p.Gly1324Val (NM_001370404.1); c.3974G>T, p.Gly1325Val (NM_001370405.1, NM_021055.3); and 1 more; short protein forms G1124V, G1265V, G1325V, G1253V, G1345V, G1301V, G1302V, G1312V.
Identifiers: ClinVar variation 1365139 (VCV001365139.8), dbSNP rs1596415974, ClinGen allele CA394299492.